The following is an entry in ClinVar:

NM_000254.3(MTR):c.3142_3144delinsACG (p.Ala1048Thr)

Gene: MTR (5-methyltetrahydrofolate-homocysteine methyltransferase; plus strand). Cytogenetic location: 1q43.
Variant type: Indel.
Coding change: c.3142_3144delinsACG on transcript NM_000254.3 (MANE Select); coding-DNA positions 3142 to 3144, GCA replaced by ACG.
Protein change: p.Ala1048Thr; replaces alanine 1048 with threonine.
Molecular consequence: missense variant.
Genome position (GRCh38, 1-based): chr1:236,891,267-236,891,269, GCA replaced by ACG. VCF-style: chr1-236891267-GCA-ACG. GRCh37 (hg19) VCF-style: chr1-237054567-GCA-ACG.
Other names: c.2989_2991delinsACG, p.Ala997Thr (NM_001291939.1); c.1921_1923delinsACG, p.Ala641Thr (NM_001291940.2); c.3142_3144delGCAinsACG (NM_000254.2); short protein forms A997T, A1048T, A641T.
Identifiers: ClinVar variation 423048 (VCV000423048.2), dbSNP rs1064796193, ClinGen allele CA16617097.
Genomic context (GRCh38, chr1:236,891,267, plus strand): 5'-GCCCGGGGTGTGGTTGGGTTCTGGCCAGCACAGAGTATCCAAGACGACATTCACCTGTAC[GCA>ACG]GAGGCTGCTGTGCCCCAGGCTGCAGAGCCCATAGCCACCTTCTATGGGTTAAGGCAACAG-3'
Protein context (NP_000245.2, residues 1038-1058): QSIQDDIHLY[Ala1048Thr]EAAVPQAAEP

ClinVar aggregate classification (germline): Uncertain significance (1 of 4 stars; one submission).

Submission:

GeneDx
Classification: Uncertain significance. Last evaluated: 2017-01-04. Review status: criteria provided, single submitter. Criteria: GeneDx Variant Classification (06012015). Collection method: clinical testing. Allele origin: germline. Affected: yes.
Comment: The c.3142_3144delGCAinsACG variant in the MTR gene has not been reported previously as a pathogenic variant, nor as a benign variant, to our knowledge. The c.3142_3144delGCAinsACG variant was not observed in approximately 6500 individuals of European and African American ancestry in the NHLBI Exome Sequencing Project, indicating it is not a common benign variant in these populations. The c.3142_3144delGCAinsACG variant causes an in frame substitution, changing an Alanine residue at codon 1048 to a Threonine residue, denoted p.A1048T. This is a non-conservative amino acid substitution, which is likely to impact secondary protein structure as these residues differ in polarity, charge, size and/or other properties. However, this substitution occurs at a position that is not conserved and in silico analysis predicts this variant likely does not alter the protein structure/function. Therefore, we interpret c.3142_3144delGCAinsACG as a variant of uncertain significance.